The following is an entry in ClinVar:

ClinVar aggregate classification (germline): Pathogenic (1 of 4 stars; one submission).

Conditions:
3-methylcrotonyl-CoA carboxylase 1 deficiency (MCC1D). Also called: MCCD TYPE 1; METHYLCROTONYLGLYCINURIA TYPE I; MCC 1 deficiency; 3 Alpha methylcrotonylglycinuria 1. Identifiers: Orphanet 6, MedGen CN028786, MONDO:0008861, OMIM 210200.

Allele frequency attached by ClinVar (database versions not stated): gnomAD exomes below 0.00001; TOPMed below 0.00001; gnomAD 0.00001.

Submission:

Labcorp Genetics (formerly Invitae), Labcorp
Classification: Pathogenic for 3-methylcrotonyl-CoA carboxylase 1 deficiency. Last evaluated: 2021-01-14. Review status: criteria provided, single submitter. Criteria: Invitae Variant Classification Sherloc (09022015). Collection method: clinical testing. Allele origin: germline.
Comment: This sequence change creates a premature translational stop signal (p.Val269Cysfs*30) in the MCCC1 gene. It is expected to result in an absent or disrupted protein product. Loss-of-function variants in MCCC1 are known to be pathogenic (PMID: 11181649, 15359379, 22642865). This variant is not present in population databases (ExAC no frequency). This variant has not been reported in the literature in individuals with MCCC1-related conditions. For these reasons, this variant has been classified as Pathogenic.

Literature cited by the submitters: PubMed 11181649; PubMed 15359379; PubMed 22642865.

NM_020166.5(MCCC1):c.804del (p.Val269fs)

Gene: MCCC1 (methylcrotonyl-CoA carboxylase subunit 1; minus strand). Cytogenetic location: 3q27.1.
Variant type: Deletion.
Coding change: c.804del on transcript NM_020166.5 (MANE Select); coding-DNA position 804, one base deleted (T; older notation c.804delT).
Protein change: p.Val269fs; shifts the reading frame from valine 269.
Molecular consequence: frameshift variant. On other transcripts: non-coding transcript variant (2).
Genome position (GRCh38, 1-based): chr3:183,057,380, A deleted on the plus strand (T on the coding strand, the reverse complement: MCCC1 is on the minus strand). VCF-style (leftmost placement, unchanged base first): chr3-183057379-CA-C. GRCh37 (hg19) VCF-style: chr3-182775167-CA-C.
Other names: c.453del, p.Val152fs (NM_001293273.2); c.477del, p.Val160fs (NM_001363880.1); short protein forms V269fs, V152fs, V160fs.
Identifiers: ClinVar variation 1363034 (VCV001363034.6), dbSNP rs1307113234, ClinGen allele CA903598977.